The following is an entry in ClinVar:

ClinVar aggregate classification (germline): Uncertain significance (1 of 4 stars; one submission).

Allele frequency attached by ClinVar (database versions not stated): TOPMed below 0.00001.

Submission:

Labcorp Genetics (formerly Invitae), Labcorp
Classification: Uncertain significance. Last evaluated: 2025-11-02. Review status: criteria provided, single submitter. Criteria: Invitae Variant Classification Sherloc (09022015). Collection method: clinical testing. Allele origin: germline.
Comment: This sequence change replaces glutamine, which is neutral and polar, with histidine, which is basic and polar, at codon 815 of the SLCO5A1 protein (p.Gln815His). This variant is not present in population databases (gnomAD no frequency). This variant has not been reported in the literature in individuals affected with SLCO5A1-related conditions. ClinVar contains an entry for this variant (Variation ID: 2049883). An algorithm developed to predict the effect of missense changes on protein structure and function outputs the following: PolyPhen-2: "Benign". The histidine amino acid residue is found in multiple mammalian species, which suggests that this missense change does not adversely affect protein function. In summary, the available evidence is currently insufficient to determine the role of this variant in disease. Therefore, it has been classified as a Variant of Uncertain Significance.

NM_030958.3(SLCO5A1):c.2445G>C (p.Gln815His)

Gene: SLCO5A1 (solute carrier organic anion transporter family member 5A1; minus strand). Cytogenetic location: 8q13.3.
Variant type: single nucleotide variant.
Coding change: c.2445G>C on transcript NM_030958.3 (MANE Select); coding-DNA position 2445, G replaced by C.
Protein change: p.Gln815His; replaces glutamine 815 with histidine.
Molecular consequence: missense variant. On other transcripts: 3 prime UTR variant (1).
Genome position (GRCh38, 1-based): chr8:69,672,971, C>G on the plus strand (G>C on the coding strand, the complement: SLCO5A1 is on the minus strand). VCF-style: chr8-69672971-C-G. GRCh37 (hg19) VCF-style: chr8-70585206-C-G.
Other names: c.*316G>C (NM_001146008.2); c.2280G>C, p.Gln760His (NM_001146009.1); short protein forms Q815H, Q760H.
Identifiers: ClinVar variation 2049883 (VCV002049883.4), dbSNP rs1813388849, ClinGen allele CA371231926.
Genomic context (GRCh38, chr8:69,672,971, plus strand): 5'-CGGGTCCGCAGAGGAACTTATTGCTTCTGGGAAGGGCCCCGGGTAGGTCTGTGCTGCGCA[C>G]TGGATCCCTTTTTGCAGGCCAGTCTCTTCGTGGAATTCTCCCTGGGTGCTGAAAGCTGGG-3'
Protein context (NP_112220.2, residues 805-825): HEETGLQKGI[Gln815His]CAAQTYPGPF